The following is an entry in ClinVar:

ClinVar aggregate classification (germline): Likely benign. Review status: criteria provided, multiple submitters, no conflicts (2 of 4 stars). 2 submissions from 2 submitters: Likely benign (2). Last evaluated 2026-02-04.

Conditions:
Hereditary diffuse gastric adenocarcinoma (HDGC). Also called: DIFFUSE GASTRIC AND LOBULAR BREAST CANCER SYNDROME. Identifiers: Orphanet 26106, MedGen C1708349, MONDO:0007648, OMIM 137215.

Allele frequency attached by ClinVar (database versions not stated): gnomAD exomes below 0.00001; ExAC 0.00001.

Submissions (2):

Labcorp Genetics (formerly Invitae), Labcorp
Classification: Likely benign for Hereditary diffuse gastric adenocarcinoma. Last evaluated: 2026-02-04. Review status: criteria provided, single submitter. Criteria: Invitae Variant Classification Sherloc (09022015). Collection method: clinical testing. Allele origin: germline.

Myriad Genetics, Inc.
Classification: Likely benign for Hereditary diffuse gastric adenocarcinoma. Last evaluated: 2024-09-20. Review status: criteria provided, single submitter. Criteria: Myriad Autosomal Dominant, Autosomal Recessive and X-Linked Classification Criteria (2023). Collection method: clinical testing. Allele origin: unknown.
Comment: This variant is considered likely benign. This variant is intronic and is not expected to impact mRNA splicing.

NM_004360.5(CDH1):c.1936+10T>A

Gene: CDH1 (cadherin 1; plus strand). Cytogenetic location: 16q22.1.
Variant type: single nucleotide variant.
Coding change: c.1936+10T>A on transcript NM_004360.5 (MANE Select); 10 bases into the intron after coding-DNA position 1936, T replaced by A.
Molecular consequence: intron variant.
Genome position (GRCh38, 1-based): chr16:68,822,235, T>A. VCF-style: chr16-68822235-T-A. GRCh37 (hg19) VCF-style: chr16-68856138-T-A.
Other names: c.1936+10T>A (LRG_301t1); c.388+10T>A (NM_001317185.2); c.-30+10T>A (NM_001317186.2); c.1753+10T>A (NM_001317184.2).
Identifiers: ClinVar variation 414064 (VCV000414064.13), dbSNP rs762902051, ClinGen allele CA8130167.
Genomic context (GRCh38, chr16:68,822,235, plus strand): 5'-AACTAACACACGGGGCGAGTGCCAACTGGACCATTCAGTACAACGACCCAAGTGGGTACC[T>A]GAGTTTTATTTTGGCAACTTTGCTCCAACTGCCATGCTTCCCTTCCCCCAGATCCCCACC-3'